The following is an entry in ClinVar:

ClinVar aggregate classification (germline): Benign (1 of 4 stars; one submission).

Conditions:
Multiple endocrine neoplasia type 2A. Also called: Multiple Endocrine Neoplasia Type 2A (MEN2A); MULTIPLE ENDOCRINE NEOPLASIA, TYPE IIA; PTC SYNDROME; SIPPLE SYNDROME; MEN 2A; MEN-2A syndrome. Identifiers: Orphanet 247698, Orphanet 653, MedGen C0025268, MeSH D018813, MONDO:0008234, OMIM 171400.

gnomAD v4.1: 1 of 1,609,460 alleles (0.000062%); highest among the groups gnomAD compares: Non-Finnish European, 0.000085%; no homozygotes.

Submission:

Myriad Genetics, Inc.
Classification: Benign for Multiple endocrine neoplasia type 2A. Last evaluated: 2025-02-26. Review status: criteria provided, single submitter. Criteria: Myriad Autosomal Dominant, Autosomal Recessive and X-Linked Classification Criteria (2023). Collection method: clinical testing. Allele origin: unknown.
Comment: This variant is considered benign. This variant is a silent/synonymous amino acid change and it is not expected to impact splicing.

NM_020975.6(RET):c.1776G>A (p.Gly592=)

Gene: RET (ret proto-oncogene; plus strand). Cytogenetic location: 10q11.21.
Variant type: single nucleotide variant.
Coding change: c.1776G>A on transcript NM_020975.6 (MANE Select); coding-DNA position 1776, G replaced by A.
Protein change: p.Gly592=; no amino-acid change (glycine 592 retained).
Molecular consequence: synonymous variant. On other transcripts: intron variant (2).
Genome position (GRCh38, 1-based): chr10:43,113,572, G>A. VCF-style: chr10-43113572-G-A. GRCh37 (hg19) VCF-style: chr10-43609020-G-A.
Other names: c.1014G>A, p.Gly338= (NM_001355216.2); c.1776G>A, p.Gly592= (NM_001406743.1, NM_001406744.1, NM_001406759.1 and 4 more transcripts); c.1647G>A, p.Gly549= (NM_001406761.1, NM_001406762.1, NM_001406764.1 and 1 more transcripts); c.1488G>A, p.Gly496= (NM_001406766.1, NM_001406767.1, NM_001406770.1); c.1380G>A, p.Gly460= (NM_001406769.1, NM_001406772.1); c.1338G>A, p.Gly446= (NM_001406771.1, NM_001406773.1); c.1251G>A, p.Gly417= (NM_001406774.1); c.1050G>A, p.Gly350= (NM_001406775.1, NM_001406776.1, NM_001406777.1 and 1 more transcripts); and 7 more.
Identifiers: ClinVar variation 3904603 (VCV003904603.1).